The following is an entry in ClinVar:

NM_014704.4(CEP104):c.1169A>G (p.His390Arg)

Gene: CEP104 (centrosomal protein 104; minus strand). Cytogenetic location: 1p36.32.
Variant type: single nucleotide variant.
Coding change: c.1169A>G on transcript NM_014704.4 (MANE Select); coding-DNA position 1169, A replaced by G.
Protein change: p.His390Arg; replaces histidine 390 with arginine.
Molecular consequence: missense variant.
Genome position (GRCh38, 1-based): chr1:3,836,643, T>C on the plus strand (A>G on the coding strand, the complement: CEP104 is on the minus strand). VCF-style: chr1-3836643-T-C. GRCh37 (hg19) VCF-style: chr1-3753207-T-C.
Other names: short protein forms H390R.
Identifiers: ClinVar variation 772336 (VCV000772336.14), dbSNP rs145728798, ClinGen allele CA551699.

ClinVar aggregate classification (germline): Benign/Likely benign. Review status: criteria provided, multiple submitters, no conflicts (2 of 4 stars). 5 submissions from 5 submitters: Benign (1); Likely benign (1). 3 of the submissions do not count toward it. Last evaluated 2025-12-27.

Conditions:
Joubert syndrome 25 (JBTS25). Identifiers: Orphanet 475, MedGen C4084842, MONDO:0014770, OMIM 616781.
CEP104-related disorder. Also called: CEP104-related condition.

Allele frequency attached by ClinVar (database versions not stated): 1000 Genomes Project 30x 0.00016; 1000 Genomes Project 0.00020; TOPMed 0.00078; ESP Exome Variant Server 0.00108; gnomAD 0.00181 and 0.00191; gnomAD exomes 0.00185 and 0.00221; ExAC 0.00200.
gnomAD v4.1: 2,945 of 1,613,894 alleles (0.18%); highest among the groups gnomAD compares: Non-Finnish European, 0.16%; 14 homozygotes.

Submissions (5):

Labcorp Genetics (formerly Invitae), Labcorp
Classification: Benign for Joubert syndrome 25. Last evaluated: 2025-12-27. Review status: criteria provided, single submitter. Criteria: Invitae Variant Classification Sherloc (09022015). Collection method: clinical testing. Allele origin: germline.

GeneDx
Classification: Likely benign. Last evaluated: 2022-05-05. Review status: criteria provided, single submitter. Criteria: GeneDx Variant Classification Process June 2021. Collection method: clinical testing. Allele origin: germline. Affected: yes.
Comment: See Variant Classification Assertion Criteria.

PreventionGenetics, part of Exact Sciences
Classification: Benign for CEP104-related condition. Last evaluated: 2019-11-06. Review status: no assertion criteria provided. Collection method: clinical testing. Allele origin: germline. Not counted in ClinVar's aggregate classification.
Comment: This variant is classified as benign based on ACMG/AMP sequence variant interpretation guidelines (Richards et al. 2015 PMID: 25741868, with internal and published modifications).

Clinical Genetics DNA and cytogenetics Diagnostics Lab, Erasmus MC, Erasmus Medical Center
Classification: Likely benign. Review status: no assertion criteria provided. Collection method: clinical testing. Allele origin: germline. Affected: yes. Study: VKGL Data-share Consensus. Not counted in ClinVar's aggregate classification.

Genome Diagnostics Laboratory, University Medical Center Utrecht
Classification: Benign. Review status: no assertion criteria provided. Collection method: clinical testing. Allele origin: germline. Affected: yes. Study: VKGL Data-share Consensus. Not counted in ClinVar's aggregate classification.